The following is an entry in ClinVar:

ClinVar aggregate classification (germline): Conflicting classifications of pathogenicity. Review status: criteria provided, conflicting classifications (1 of 4 stars). 3 submissions from 3 submitters: Uncertain significance (2); Benign (1). Last evaluated 2026-06-23.

Conditions:
Congenital contractural arachnodactyly (CCA). Also called: BEALS SYNDROME; Arthrogryposis, distal, type 9; Beals-Hecht syndrome. Identifiers: Orphanet 115, MedGen C0220668, MONDO:0007363, OMIM 121050.
Familial thoracic aortic aneurysm and aortic dissection (TAAD). Also called: Thoracic aortic aneurysms and dissections. Identifiers: Orphanet 91387, MedGen C4707243, MONDO:0019625.

Allele frequency attached by ClinVar (database versions not stated): TOPMed 0.00006; ESP Exome Variant Server 0.00008; gnomAD 0.00003.
gnomAD v4.1: 56 of 1,614,116 alleles (0.0035%); highest among the groups gnomAD compares: Non-Finnish European, 0.0042%; no homozygotes.

Submissions (3):

Ambry Genetics
Classification: Uncertain significance for Familial thoracic aortic aneurysm and aortic dissection. Last evaluated: 2026-06-23. Review status: criteria provided, single submitter. Criteria: Ambry Variant Classification Scheme 2023. Collection method: clinical testing. Allele origin: germline.
Comment: The p.R245W variant (also known as c.733C>T), located in coding exon 6 of the FBN2 gene, results from a C to T substitution at nucleotide position 733. The arginine at codon 245 is replaced by tryptophan, an amino acid with dissimilar properties. This amino acid position is highly conserved in available vertebrate species. In addition, this alteration is predicted to be deleterious by in silico analysis. Based on the available evidence, the clinical significance of this variant remains unclear.

Labcorp Genetics (formerly Invitae), Labcorp
Classification: Benign for Congenital contractural arachnodactyly. Last evaluated: 2025-04-30. Review status: criteria provided, single submitter. Criteria: Invitae Variant Classification Sherloc (09022015). Collection method: clinical testing. Allele origin: germline.

GeneDx
Classification: Uncertain significance. Last evaluated: 2022-03-10. Review status: criteria provided, single submitter. Criteria: GeneDx Variant Classification Process June 2021. Collection method: clinical testing. Allele origin: germline. Affected: yes.
Comment: Identified in an infant with multiple congenital anomalies-hypotonia-seizures syndrome 3 (MCAHS3) who was compound heterozygous for two variants in the PIGT gene, and also carried the p.(R245W) de novo variant in the FBN2 gene, as well as two missense variants in the ATP10A gene (Mason et al., 2019); Not observed at a significant frequency in large population cohorts (gnomAD); In silico analysis supports that this missense variant has a deleterious effect on protein structure/function; Does not affect a cysteine residue within a calcium-binding EGF-like domain of the FBN2 gene; cysteine substitutions in the calcium-binding EGF-like domains represent the majority of pathogenic missense changes associated with FBN2-related disorders (Frederic et al., 2009); This variant is associated with the following publications: (PMID: 30813157)

Literature cited by the submitters: PubMed 30813157 (cited by Ambry Genetics).

NM_001999.4(FBN2):c.733C>T (p.Arg245Trp)

Gene: FBN2 (fibrillin 2; minus strand). Cytogenetic location: 5q23.3.
Variant type: single nucleotide variant.
Coding change: c.733C>T on transcript NM_001999.4 (MANE Select); coding-DNA position 733, C replaced by T.
Protein change: p.Arg245Trp; replaces arginine 245 with tryptophan.
Molecular consequence: missense variant.
Genome position (GRCh38, 1-based): chr5:128,464,817, G>A on the plus strand (C>T on the coding strand, the complement: FBN2 is on the minus strand). VCF-style: chr5-128464817-G-A. GRCh37 (hg19) VCF-style: chr5-127800510-G-A.
Other names: short protein forms R245W.
Identifiers: ClinVar variation 213379 (VCV000213379.15), dbSNP rs146941428, ClinGen allele CA323712.